The following is an entry in ClinVar:

NM_020223.4(FAM20C):c.553A>G (p.Asn185Asp)

Gene: FAM20C (FAM20C golgi associated secretory pathway kinase; plus strand). Cytogenetic location: 7p22.3.
Variant type: single nucleotide variant.
Coding change: c.553A>G on transcript NM_020223.4 (MANE Select); coding-DNA position 553, A replaced by G.
Protein change: p.Asn185Asp; replaces asparagine 185 with aspartic acid.
Molecular consequence: missense variant.
Genome position (GRCh38, 1-based): chr7:193,752, A>G. VCF-style: chr7-193752-A-G. GRCh37 (hg19) VCF-style: chr7-193752-A-G.
Other names: short protein forms N185D.
Identifiers: ClinVar variation 1425691 (VCV001425691.4), dbSNP rs1025732619, ClinGen allele CA152256953.

ClinVar aggregate classification (germline): Uncertain significance (1 of 4 stars; one submission).

Allele frequency attached by ClinVar (database versions not stated): gnomAD exomes below 0.00001; gnomAD 0.00001; TOPMed 0.00001.
gnomAD v4.1: 4 of 1,549,380 alleles (0.00026%); highest among the groups gnomAD compares: African/African-American, 0.0027%; no homozygotes.

Submission:

Labcorp Genetics (formerly Invitae), Labcorp
Classification: Uncertain significance. Last evaluated: 2022-07-19. Review status: criteria provided, single submitter. Criteria: Invitae Variant Classification Sherloc (09022015). Collection method: clinical testing. Allele origin: germline.
Comment: In summary, the available evidence is currently insufficient to determine the role of this variant in disease. Therefore, it has been classified as a Variant of Uncertain Significance. Algorithms developed to predict the effect of missense changes on protein structure and function (SIFT, PolyPhen-2, Align-GVGD) all suggest that this variant is likely to be tolerated. ClinVar contains an entry for this variant (Variation ID: 1425691). This variant has not been reported in the literature in individuals affected with FAM20C-related conditions. This variant is present in population databases (no rsID available, gnomAD 0.01%). This sequence change replaces asparagine, which is neutral and polar, with aspartic acid, which is acidic and polar, at codon 185 of the FAM20C protein (p.Asn185Asp).